The following is an entry in ClinVar:

NM_021044.4(DHH):c.543C>T (p.His181=)

Gene: DHH (desert hedgehog signaling molecule; minus strand). Cytogenetic location: 12q13.12.
Variant type: single nucleotide variant.
Coding change: c.543C>T on transcript NM_021044.4 (MANE Select); coding-DNA position 543, C replaced by T.
Protein change: p.His181=; no amino-acid change (histidine 181 retained).
Molecular consequence: synonymous variant.
Genome position (GRCh38, 1-based): chr12:49,091,150, G>A on the plus strand (C>T on the coding strand, the complement: DHH is on the minus strand). VCF-style: chr12-49091150-G-A. GRCh37 (hg19) VCF-style: chr12-49484933-G-A.
Other names: p.His181=.
Identifiers: ClinVar variation 309103 (VCV000309103.27), dbSNP rs117527954, ClinGen allele CA6549160.

ClinVar aggregate classification (germline): Benign. Review status: criteria provided, multiple submitters, no conflicts (2 of 4 stars). 9 submissions from 9 submitters: Benign (7). 2 of the submissions do not count toward it. Last evaluated 2026-02-03.

Conditions:
46,XY sex reversal 7. Also called: 46,XY GONADAL DYSGENESIS, PARTIAL OR COMPLETE, DHH-RELATED; GONADAL DYSGENESIS, XY, MALE-LIMITED; 46,XY SEX REVERSAL, PARTIAL OR COMPLETE, DHH-RELATED; DHH-Related 46,XY complete gonadal dysgenesis. Identifiers: Orphanet 242, MedGen C1856273, MONDO:0009301, OMIM 233420.

Allele frequency attached by ClinVar (database versions not stated): ESP Exome Variant Server 0.00677; TOPMed 0.00696; 1000 Genomes Project 0.00779; gnomAD 0.00783 and 0.00831; 1000 Genomes Project 30x 0.00812; gnomAD exomes 0.01084 and 0.01115; ExAC 0.01103.
gnomAD v4.1: 17,450 of 1,614,248 alleles (1.1%); highest among the groups gnomAD compares: South Asian, 2.5%; 139 homozygotes.

Submissions (9):

Labcorp Genetics (formerly Invitae), Labcorp
Classification: Benign for 46,XY sex reversal 7. Last evaluated: 2026-02-03. Review status: criteria provided, single submitter. Criteria: Invitae Variant Classification Sherloc (09022015). Collection method: clinical testing. Allele origin: germline.

CeGaT Center for Human Genetics Tuebingen
Classification: Benign. Last evaluated: 2026-01-01. Review status: criteria provided, single submitter. Criteria: CeGaT Center For Human Genetics Tuebingen Variant Classification Criteria Version 2. Collection method: clinical testing. Allele origin: germline. Affected: yes. Observed: 1 variant allele.
Comment: DHH: BP4, BP7, BS1, BS2

Genetic Services Laboratory, University of Chicago
Classification: Benign. Last evaluated: 2020-05-19. Review status: criteria provided, single submitter. Criteria: ACMG Guidelines, 2015. Collection method: clinical testing. Allele origin: germline. Affected: no.

Mayo Clinic Laboratories, Mayo Clinic
Classification: Benign. Last evaluated: 2020-04-06. Review status: criteria provided, single submitter. Criteria: ACMG Guidelines, 2015. Collection method: clinical testing. Allele origin: germline. Observed: 41 variant alleles.

Illumina Laboratory Services, Illumina
Classification: Benign for 46,XY gonadal dysgenesis, complete, dhh-related. Last evaluated: 2018-01-12. Review status: criteria provided, single submitter. Criteria: ICSL Variant Classification Criteria 13 December 2019. Collection method: clinical testing. Allele origin: germline.
Comment: This variant was observed in the ICSL laboratory as part of a predisposition screen in an ostensibly healthy population. It had not been previously curated by ICSL or reported in the Human Gene Mutation Database (HGMD: prior to June 1st, 2018), and was therefore a candidate for classification through an automated scoring system. Utilizing variant allele frequency, disease prevalence and penetrance estimates, and inheritance mode, an automated score was calculated to assess if this variant is too frequent to cause the disease. Based on the score and internal cut-off values, a variant classified as benign is not then subjected to further curation. The score for this variant resulted in a classification of benign for this disease.

GeneDx
Classification: Benign. Last evaluated: 2015-03-03. Review status: criteria provided, single submitter. Criteria: GeneDx Variant Classification Process June 2021. Collection method: clinical testing. Allele origin: germline. Affected: yes.

Breakthrough Genomics
Classification: Benign. Review status: criteria provided, single submitter. Criteria: ACMG Guidelines, 2015. Collection method: not provided. Allele origin: germline. Inheritance: Autosomal recessive inheritance. Affected: yes.

Clinical Genetics DNA and cytogenetics Diagnostics Lab, Erasmus MC, Erasmus Medical Center
Classification: Benign. Review status: no assertion criteria provided. Collection method: clinical testing. Allele origin: germline. Affected: yes. Study: VKGL Data-share Consensus. Not counted in ClinVar's aggregate classification.

Clinical Genetics, Academic Medical Center
Classification: Benign. Review status: no assertion criteria provided. Collection method: clinical testing. Allele origin: germline. Affected: yes. Study: VKGL Data-share Consensus. Not counted in ClinVar's aggregate classification.